The following is an entry in ClinVar:

NM_014874.4(MFN2):c.626T>G (p.Leu209Arg)

Gene: MFN2 (mitofusin 2; plus strand). Cytogenetic location: 1p36.22.
Variant type: single nucleotide variant.
Coding change: c.626T>G on transcript NM_014874.4 (MANE Select); coding-DNA position 626, T replaced by G.
Protein change: p.Leu209Arg; replaces leucine 209 with arginine.
Molecular consequence: missense variant.
Genome position (GRCh38, 1-based): chr1:11,998,796, T>G. VCF-style: chr1-11998796-T-G. GRCh37 (hg19) VCF-style: chr1-12058853-T-G.
Other names: c.626T>G, p.Leu209Arg (NM_001127660.2); short protein forms L209R.
Identifiers: ClinVar variation 1010300 (VCV001010300.9), dbSNP rs1639043428, ClinGen allele CA338437829.

ClinVar aggregate classification (germline): Uncertain significance. Review status: criteria provided, multiple submitters, no conflicts (2 of 4 stars). 2 submissions from 2 submitters: Uncertain significance (2). Last evaluated 2021-11-29.

Conditions:
Charcot-Marie-Tooth disease type 2. Also called: Charcot-Marie-Tooth type 2. Identifiers: Orphanet 64746, MedGen C0270914, MONDO:0018993.

Submissions (2):

Athena Diagnostics
Classification: Uncertain significance. Last evaluated: 2021-11-29. Review status: criteria provided, single submitter. Criteria: Athena Diagnostics Criteria. Collection method: clinical testing. Allele origin: unknown.

Labcorp Genetics (formerly Invitae), Labcorp
Classification: Uncertain significance for Charcot-Marie-Tooth disease type 2. Last evaluated: 2020-07-03. Review status: criteria provided, single submitter. Criteria: Invitae Variant Classification Sherloc (09022015). Collection method: clinical testing. Allele origin: germline.
Comment: In summary, the available evidence is currently insufficient to determine the role of this variant in disease. Therefore, it has been classified as a Variant of Uncertain Significance. Algorithms developed to predict the effect of missense changes on protein structure and function (SIFT, PolyPhen-2, Align-GVGD) all suggest that this variant is likely to be disruptive, but these predictions have not been confirmed by published functional studies and their clinical significance is uncertain. This variant has not been reported in the literature in individuals with MFN2-related conditions. This variant is not present in population databases (ExAC no frequency). This sequence change replaces leucine with arginine at codon 209 of the MFN2 protein (p.Leu209Arg). The leucine residue is highly conserved and there is a moderate physicochemical difference between leucine and arginine.